The following is an entry in ClinVar:

NM_058174.3(COL6A2):c.2503C>T (p.Arg835Cys)

Gene: COL6A2 (collagen type VI alpha 2 chain; plus strand). Cytogenetic location: 21q22.3.
Variant type: single nucleotide variant.
Coding change: c.2503C>T on transcript NM_058174.3 (MANE Plus Clinical); coding-DNA position 2503, C replaced by T.
Protein change: p.Arg835Cys; replaces arginine 835 with cysteine.
Molecular consequence: missense variant. On other transcripts: 3 prime UTR variant (1), intron variant (1).
Genome position (GRCh38, 1-based): chr21:46,129,237, C>T. VCF-style: chr21-46129237-C-T. GRCh37 (hg19) VCF-style: chr21-47549151-C-T.
Other names: c.*309C>T (NM_058175.3); c.2461+2696C>T (NM_001849.4); short protein forms R835C.
Identifiers: ClinVar variation 3898906 (VCV003898906.1).

ClinVar aggregate classification (germline): Uncertain significance (1 of 4 stars; one submission).

gnomAD v4.1: 90 of 1,612,950 alleles (0.0056%); highest among the groups gnomAD compares: South Asian, 0.056%; no homozygotes.

Submission:

GeneDx
Classification: Uncertain significance. Last evaluated: 2024-11-11. Review status: criteria provided, single submitter. Criteria: GeneDx Variant Classification Process June 2021. Collection method: clinical testing. Allele origin: germline. Affected: yes.
Comment: Reported using an alternate transcript of the gene; Reported previously in a patient with proximal and distal muscle weakness of all limbs, retractions, mild restrictive respiratory difficulty, elevated CPK, and abnormalities in muscle and skin tissue (PMID: 36982625); In silico analysis indicates that this missense variant does not alter protein structure/function; This variant is associated with the following publications: (PMID: 36982625)